The following is an entry in ClinVar:

NM_002458.3(MUC5B):c.7051G>A (p.Val2351Ile)

Genes: MUC5B (mucin 5B, oligomeric mucus/gel-forming; plus strand), MUC5B-AS1 (MUC5B antisense RNA 1; minus strand). Cytogenetic location: 11p15.5.
Variant type: single nucleotide variant.
Coding change: c.7051G>A on transcript NM_002458.3 (MANE Select); coding-DNA position 7051, G replaced by A.
Protein change: p.Val2351Ile; replaces valine 2351 with isoleucine.
Molecular consequence: missense variant.
Genome position (GRCh38, 1-based): chr11:1,243,931, G>A. VCF-style: chr11-1243931-G-A. GRCh37 (hg19) VCF-style: chr11-1265161-G-A.
Other names: c.7051G>A (NM_002458.2); short protein forms V2351I.
Identifiers: ClinVar variation 2641229 (VCV002641229.25), dbSNP rs376143601, ClinGen allele CA5806214.

ClinVar aggregate classification (germline): Likely benign. Review status: criteria provided, multiple submitters, no conflicts (2 of 4 stars). 2 submissions from 2 submitters: Likely benign (2). Last evaluated 2026-04-01.

Allele frequency attached by ClinVar (database versions not stated): ESP Exome Variant Server 0.00068; 1000 Genomes Project 30x 0.00109; 1000 Genomes Project 0.00120; gnomAD 0.00184; gnomAD exomes 0.00190; TOPMed 0.00203.
gnomAD v4.1: 3,066 of 1,606,324 alleles (0.19%); highest among the groups gnomAD compares: Middle Eastern, 0.54%; 4 homozygotes.

Submissions (2):

CeGaT Center for Human Genetics Tuebingen
Classification: Likely benign. Last evaluated: 2026-04-01. Review status: criteria provided, single submitter. Criteria: CeGaT Center For Human Genetics Tuebingen Variant Classification Criteria Version 2. Collection method: clinical testing. Allele origin: germline. Affected: yes. Observed: 3 variant alleles.
Comment: MUC5B: BP4, BS2

Ambry Genetics
Classification: Likely benign. Last evaluated: 2024-08-05. Review status: criteria provided, single submitter. Criteria: Ambry Variant Classification Scheme 2023. Collection method: clinical testing. Allele origin: germline.